The following is an entry in ClinVar:

NM_000257.4(MYH7):c.1686C>T (p.Asn562=)

Gene: MYH7 (myosin heavy chain 7; minus strand). Cytogenetic location: 14q11.2.
Variant type: single nucleotide variant.
Coding change: c.1686C>T on transcript NM_000257.4 (MANE Select); coding-DNA position 1686, C replaced by T.
Protein change: p.Asn562=; no amino-acid change (asparagine 562 retained).
Molecular consequence: synonymous variant.
Genome position (GRCh38, 1-based): chr14:23,427,787, G>A on the plus strand (C>T on the coding strand, the complement: MYH7 is on the minus strand). VCF-style: chr14-23427787-G-A. GRCh37 (hg19) VCF-style: chr14-23896996-G-A.
Identifiers: ClinVar variation 1114894 (VCV001114894.10), dbSNP rs2138672359, ClinGen allele CA485623967.

ClinVar aggregate classification (germline): Likely benign. Review status: criteria provided, multiple submitters, no conflicts (2 of 4 stars). 2 submissions from 2 submitters: Likely benign (2). Last evaluated 2023-11-02.

Conditions:
Cardiomyopathy (CMYO). Also called: Cardiomyopathies. Identifiers: Orphanet 167848, MedGen C0878544, MONDO:0004994, HP:0001638. Inheritance: Various modes of inheritance.
Hypertrophic cardiomyopathy. Also called: HYPERTROPHIC MYOCARDIOPATHY. Identifiers: Orphanet 217569, MedGen C0007194, MeSH D002312, MONDO:0005045, HP:0001639.

Allele frequency attached by ClinVar (database versions not stated): gnomAD exomes below 0.00001.
gnomAD v4.1: 3 of 1,614,204 alleles (0.00019%); highest among the groups gnomAD compares: African/African-American, 0.0013%; no homozygotes.

Submissions (2):

All of Us Research Program, National Institutes of Health
Classification: Likely benign for Cardiomyopathy. Last evaluated: 2023-11-02. Review status: criteria provided, single submitter. Criteria: ACMG Guidelines, 2015. Collection method: clinical testing. Allele origin: germline. Inheritance: Autosomal dominant inheritance. Observed: 3 variant alleles, 3 heterozygotes.
Comment: This study involves interpretation of variants in research participants for the purpose of population health screening. Participant phenotype was not available at the time of variant classification. Additional details can be found in publication PMID: 35346344, PMCID: PMC8962531

Labcorp Genetics (formerly Invitae), Labcorp
Classification: Likely benign for Hypertrophic cardiomyopathy. Last evaluated: 2019-04-24. Review status: criteria provided, single submitter. Criteria: Invitae Variant Classification Sherloc (09022015). Collection method: clinical testing. Allele origin: germline.